The following is an entry in ClinVar:

NM_012275.3(IL36RN):c.164C>G (p.Ser55Cys)

Gene: IL36RN (interleukin 36 receptor antagonist; plus strand). Cytogenetic location: 2q14.1.
Variant type: single nucleotide variant.
Coding change: c.164C>G on transcript NM_012275.3 (MANE Select); coding-DNA position 164, C replaced by G.
Protein change: p.Ser55Cys; replaces serine 55 with cysteine.
Molecular consequence: missense variant.
Genome position (GRCh38, 1-based): chr2:113,062,172, C>G. VCF-style: chr2-113062172-C-G. GRCh37 (hg19) VCF-style: chr2-113819749-C-G.
Other names: c.164C>G, p.Ser55Cys (NM_173170.1); short protein forms S55C.
Identifiers: ClinVar variation 3691376 (VCV003691376.2).

ClinVar aggregate classification (germline): Uncertain significance (1 of 4 stars; one submission).

Conditions:
Generalized pustular psoriasis. Identifiers: Orphanet 247353, MedGen C0343055, MONDO:0100491.

Submission:

Labcorp Genetics (formerly Invitae), Labcorp
Classification: Uncertain significance for Generalized pustular psoriasis. Last evaluated: 2024-11-27. Review status: criteria provided, single submitter. Criteria: Invitae Variant Classification Sherloc (09022015). Collection method: clinical testing. Allele origin: germline.
Comment: This sequence change replaces serine, which is neutral and polar, with cysteine, which is neutral and slightly polar, at codon 55 of the IL36RN protein (p.Ser55Cys). This variant is not present in population databases (gnomAD no frequency). This variant has not been reported in the literature in individuals affected with IL36RN-related conditions. An algorithm developed to predict the effect of missense changes on protein structure and function outputs the following: PolyPhen-2: "Benign". The cysteine amino acid residue is found in multiple mammalian species, which suggests that this missense change does not adversely affect protein function. In summary, the available evidence is currently insufficient to determine the role of this variant in disease. Therefore, it has been classified as a Variant of Uncertain Significance.